The following is an entry in ClinVar:

ClinVar aggregate classification (germline): Uncertain significance. Review status: criteria provided, multiple submitters, no conflicts (2 of 4 stars). 3 submissions from 3 submitters: Uncertain significance (3). Last evaluated 2024-01-30.

Conditions:
Autosomal recessive hypophosphatemic bone disease (HHRH). Also called: Hypophosphatemic rickets with hypercalciuria; HYPERCALCIURIC RICKETS. Identifiers: Orphanet 157215, MedGen C1853271, MONDO:0009431, OMIM 241530.
Inborn genetic diseases. Identifiers: MedGen C0950123, MeSH D030342.

Allele frequency attached by ClinVar (database versions not stated): TOPMed 0.00003; gnomAD 0.00005 and 0.00006; gnomAD exomes 0.00005.
gnomAD v4.1: 70 of 1,539,678 alleles (0.0045%); highest among the groups gnomAD compares: Admixed American, 0.0059%; no homozygotes.

Submissions (3):

Fulgent Genetics
Classification: Uncertain significance for Autosomal recessive hypophosphatemic bone disease. Last evaluated: 2024-01-30. Review status: criteria provided, single submitter. Criteria: ACMG Guidelines, 2015. Collection method: clinical testing. Allele origin: germline.

Ambry Genetics
Classification: Uncertain significance for Inborn genetic diseases. Last evaluated: 2023-04-25. Review status: criteria provided, single submitter. Criteria: Ambry Variant Classification Scheme 2023. Collection method: clinical testing. Allele origin: germline.

Labcorp Genetics (formerly Invitae), Labcorp
Classification: Uncertain significance. Last evaluated: 2021-11-14. Review status: criteria provided, single submitter. Criteria: Invitae Variant Classification Sherloc (09022015). Collection method: clinical testing. Allele origin: germline.
Comment: In summary, the available evidence is currently insufficient to determine the role of this variant in disease. Therefore, it has been classified as a Variant of Uncertain Significance. Algorithms developed to predict the effect of missense changes on protein structure and function output the following: SIFT: "Tolerated"; PolyPhen-2: "Benign"; Align-GVGD: "Class C0". The threonine amino acid residue is found in multiple mammalian species, which suggests that this missense change does not adversely affect protein function. This variant has not been reported in the literature in individuals affected with SLC34A3-related conditions. This variant is present in population databases (no rsID available, gnomAD 0.01%). This sequence change replaces alanine, which is neutral and non-polar, with threonine, which is neutral and polar, at codon 585 of the SLC34A3 protein (p.Ala585Thr).

NM_001177316.2(SLC34A3):c.1753G>A (p.Ala585Thr)

Genes: SLC34A3 (solute carrier family 34 member 3; plus strand), LOC130003098 (ATAC-STARR-seq lymphoblastoid silent region 20596; plus strand). Cytogenetic location: 9q34.3.
Variant type: single nucleotide variant.
Coding change: c.1753G>A on transcript NM_001177316.2 (MANE Select); coding-DNA position 1753, G replaced by A.
Protein change: p.Ala585Thr; replaces alanine 585 with threonine.
Molecular consequence: missense variant.
Genome position (GRCh38, 1-based): chr9:137,236,369, G>A. VCF-style: chr9-137236369-G-A. GRCh37 (hg19) VCF-style: chr9-140130821-G-A.
Other names: c.1753G>A, p.Ala585Thr (NM_001177317.2, NM_080877.3); short protein forms A585T.
Identifiers: ClinVar variation 1443292 (VCV001443292.7), dbSNP rs939469698, ClinGen allele CA201700281.